The following is an entry in ClinVar:

ClinVar aggregate classification (germline): Pathogenic (1 of 4 stars; one submission).

Submission:

Labcorp Genetics (formerly Invitae), Labcorp
Classification: Pathogenic. Last evaluated: 2022-05-20. Review status: criteria provided, single submitter. Criteria: Invitae Variant Classification Sherloc (09022015). Collection method: clinical testing. Allele origin: germline.
Comment: This sequence change creates a premature translational stop signal (p.Arg2470*) in the ASPM gene. It is expected to result in an absent or disrupted protein product. Loss-of-function variants in ASPM are known to be pathogenic (PMID: 19028728, 23611254). This variant is not present in population databases (gnomAD no frequency). This variant has not been reported in the literature in individuals affected with ASPM-related conditions. For these reasons, this variant has been classified as Pathogenic.

Literature cited by the submitters: PubMed 19028728; PubMed 23611254.

NM_018136.5(ASPM):c.7408A>T (p.Arg2470Ter)

Gene: ASPM (assembly factor for spindle microtubules; minus strand). Cytogenetic location: 1q31.3.
Variant type: single nucleotide variant.
Coding change: c.7408A>T on transcript NM_018136.5 (MANE Select); coding-DNA position 7408, A replaced by T.
Protein change: p.Arg2470Ter; replaces arginine 2470 with a stop codon.
Molecular consequence: nonsense. On other transcripts: intron variant (1).
Genome position (GRCh38, 1-based): chr1:197,101,843, T>A on the plus strand (A>T on the coding strand, the complement: ASPM is on the minus strand). VCF-style: chr1-197101843-T-A. GRCh37 (hg19) VCF-style: chr1-197070973-T-A.
Other names: c.4066-5679A>T (NM_001206846.2); short protein forms R2470*.
Identifiers: ClinVar variation 2134804 (VCV002134804.4), dbSNP rs1657198788, ClinGen allele CA344019066.